The following is an entry in ClinVar:

ClinVar aggregate classification (germline): Uncertain significance (1 of 4 stars; one submission).

Submission:

GeneDx
Classification: Uncertain significance. Last evaluated: 2019-09-25. Review status: criteria provided, single submitter. Criteria: GeneDx Variant Classification Process June 2021. Collection method: clinical testing. Allele origin: germline. Affected: yes.
Comment: Not observed in large population cohorts (Lek et al., 2016); In silico analysis, which includes protein predictors and evolutionary conservation, supports a deleterious effect; Has not been previously published as pathogenic or benign to our knowledge

NM_006268.5(DPF2):c.248G>C (p.Arg83Pro)

Gene: DPF2 (double PHD fingers 2; plus strand). Cytogenetic location: 11q13.1.
Variant type: single nucleotide variant.
Coding change: c.248G>C on transcript NM_006268.5 (MANE Select); coding-DNA position 248, G replaced by C.
Protein change: p.Arg83Pro; replaces arginine 83 with proline.
Molecular consequence: missense variant.
Genome position (GRCh38, 1-based): chr11:65,341,020, G>C. VCF-style: chr11-65341020-G-C. GRCh37 (hg19) VCF-style: chr11-65108491-G-C.
Other names: c.248G>C, p.Arg83Pro (NM_001330308.2); short protein forms R83P.
Identifiers: ClinVar variation 1312259 (VCV001312259.2), dbSNP rs199801105, ClinGen allele CA381250079.